The following is an entry in ClinVar:

NM_030667.3(PTPRO):c.1668C>T (p.Gly556=)

Gene: PTPRO (protein tyrosine phosphatase receptor type O; plus strand). Cytogenetic location: 12p12.3.
Variant type: single nucleotide variant.
Coding change: c.1668C>T on transcript NM_030667.3 (MANE Select); coding-DNA position 1668, C replaced by T.
Protein change: p.Gly556=; no amino-acid change (glycine 556 retained).
Molecular consequence: synonymous variant.
Genome position (GRCh38, 1-based): chr12:15,516,845, C>T. VCF-style: chr12-15516845-C-T. GRCh37 (hg19) VCF-style: chr12-15669779-C-T.
Other names: c.1668C>T, p.Gly556= (NM_002848.4).
Identifiers: ClinVar variation 2164275 (VCV002164275.4), dbSNP rs376460659, ClinGen allele CA6466584.
Genomic context (GRCh38, chr12:15,516,845, plus strand): 5'-AATGCTCTATCCTTTGGGTCCTACGGCCGTGGTTCTGAGCTGGACCAGACCTTATTTAGG[C>T]GTGTTCAGAAAATACGTGGTTGAAATGTTTTATTTCAACCCTGCTACAATGACATCAGAG-3'
Protein context (NP_109592.1, residues 546-566): VVLSWTRPYL[Gly556=]VFRKYVVEMF

ClinVar aggregate classification (germline): Uncertain significance (1 of 4 stars; one submission).

Allele frequency attached by ClinVar (database versions not stated): gnomAD 0.00001; TOPMed 0.00001; ESP Exome Variant Server 0.00008.
gnomAD v4.1: 23 of 1,611,676 alleles (0.0014%); highest among the groups gnomAD compares: South Asian, 0.0022%; no homozygotes.

Submission:

Labcorp Genetics (formerly Invitae), Labcorp
Classification: Uncertain significance. Last evaluated: 2021-12-28. Review status: criteria provided, single submitter. Criteria: Invitae Variant Classification Sherloc (09022015). Collection method: clinical testing. Allele origin: germline.
Comment: This sequence change affects codon 556 of the PTPRO mRNA. It is a 'silent' change, meaning that it does not change the encoded amino acid sequence of the PTPRO protein. In summary, the available evidence is currently insufficient to determine the role of this variant in disease. Therefore, it has been classified as a Variant of Uncertain Significance. Algorithms developed to predict the effect of sequence changes on RNA splicing suggest that this variant may create or strengthen a splice site. This variant has not been reported in the literature in individuals affected with PTPRO-related conditions. This variant is present in population databases (rs376460659, gnomAD 0.007%).